The following is an entry in ClinVar:

ClinVar aggregate classification (germline): Uncertain significance (1 of 4 stars; one submission).

Conditions:
Intellectual developmental disorder, X-linked, syndromic, Hedera type. Also called: Syndromic X-linked intellectual disability Hedera type. Identifiers: Orphanet 93952, MedGen C1845543, MONDO:0010319, OMIM 300423.

Allele frequency attached by ClinVar (database versions not stated): gnomAD exomes 0.00001; gnomAD 0.00002 and 0.00001.

Submission:

Labcorp Genetics (formerly Invitae), Labcorp
Classification: Uncertain significance for Intellectual developmental disorder, X-linked, syndromic, Hedera type. Last evaluated: 2025-03-03. Review status: criteria provided, single submitter. Criteria: Invitae Variant Classification Sherloc (09022015). Collection method: clinical testing. Allele origin: germline.
Comment: This sequence change replaces valine, which is neutral and non-polar, with isoleucine, which is neutral and non-polar, at codon 76 of the ATP6AP2 protein (p.Val76Ile). This variant is present in population databases (no rsID available, gnomAD 0.2%). This variant has not been reported in the literature in individuals affected with ATP6AP2-related conditions. ClinVar contains an entry for this variant (Variation ID: 1401326). Invitae Evidence Modeling of protein sequence and biophysical properties (such as structural, functional, and spatial information, amino acid conservation, physicochemical variation, residue mobility, and thermodynamic stability) indicates that this missense variant is not expected to disrupt ATP6AP2 protein function with a negative predictive value of 80%. In summary, the available evidence is currently insufficient to determine the role of this variant in disease. Therefore, it has been classified as a Variant of Uncertain Significance.

NM_005765.3(ATP6AP2):c.226G>A (p.Val76Ile)

Gene: ATP6AP2 (ATPase H+ transporting accessory protein 2; plus strand). Cytogenetic location: Xp11.4.
Variant type: single nucleotide variant.
Coding change: c.226G>A on transcript NM_005765.3 (MANE Select); coding-DNA position 226, G replaced by A.
Protein change: p.Val76Ile; replaces valine 76 with isoleucine.
Molecular consequence: missense variant.
Genome position (GRCh38, 1-based): chrX:40,591,291, G>A. VCF-style: chrX-40591291-G-A. GRCh37 (hg19) VCF-style: chrX-40450543-G-A.
Other names: short protein forms V76I.
Identifiers: ClinVar variation 1401326 (VCV001401326.8), dbSNP rs966044221, ClinGen allele CA328985532.